The following is an entry in ClinVar:

NM_000257.4(MYH7):c.895+1G>A

Gene: MYH7 (myosin heavy chain 7; minus strand). Cytogenetic location: 14q11.2.
Variant type: single nucleotide variant.
Coding change: c.895+1G>A on transcript NM_000257.4 (MANE Select); the canonical splice donor site of the intron after coding-DNA position 895, G replaced by A.
Molecular consequence: splice donor variant.
Genome position (GRCh38, 1-based): chr14:23,430,900, C>T on the plus strand (G>A on the coding strand, the complement: MYH7 is on the minus strand). VCF-style: chr14-23430900-C-T. GRCh37 (hg19) VCF-style: chr14-23900109-C-T.
Other names: c.895+1G>A (NM_001407004.1, NM_000257.3).
Identifiers: ClinVar variation 432302 (VCV000432302.9), dbSNP rs111547156, ClinGen allele CA257825592.
Genomic context (GRCh38, chr14:23,430,900, plus strand): 5'-CAAGCAGAGGGGACCAGGTTGCCATGGAGATAGTTGGTCTCAGTCGGTGGCTCTGACTCA[C>T]CCAGCAGCTCAGGCTTTTTGTTAGACAGGATTTGGTAGAAAATGTGATAATCTCTCTCTG-3'

ClinVar aggregate classification (germline): Conflicting classifications of pathogenicity. Review status: criteria provided, conflicting classifications (1 of 4 stars). 5 submissions from 5 submitters: Likely pathogenic (1); Uncertain significance (4). Last evaluated 2026-08-27.

Conditions:
MYH7-related disorder. Also called: MYH7-related condition; MYH7-related disease; MYH7-related disorders.
Cardiovascular phenotype. Identifiers: MedGen CN230736.
Hypertrophic cardiomyopathy. Also called: HYPERTROPHIC MYOCARDIOPATHY. Identifiers: Orphanet 217569, MedGen C0007194, MeSH D002312, MONDO:0005045, HP:0001639.

Submissions (5):

GeneDx
Classification: Uncertain significance. Last evaluated: 2026-08-27. Review status: criteria provided, single submitter. Criteria: GeneDx Variant Classification Process June 2021. Collection method: clinical testing. Allele origin: germline.
Comment: Canonical splice site variant with an unclear effect on protein function; Not observed at significant frequency in large population cohorts (gnomAD); This variant is associated with the following publications: (PMID: 37937776, 38019448, 36292635, 37342443, 27532257, 29300372)

Labcorp Genetics (formerly Invitae), Labcorp
Classification: Uncertain significance for Hypertrophic cardiomyopathy. Last evaluated: 2025-08-11. Review status: criteria provided, single submitter. Criteria: Invitae Variant Classification Sherloc (09022015). Collection method: clinical testing. Allele origin: germline.
Comment: This sequence change affects a donor splice site in intron 10 of the MYH7 gene. It is expected to disrupt RNA splicing. Variants that disrupt the donor or acceptor splice site typically lead to a loss of protein function (PMID: 16199547), however the current clinical and genetic evidence is not sufficient to establish whether loss-of-function variants in MYH7 cause disease. This variant is not present in population databases (gnomAD no frequency). Disruption of this splice site has been observed in individual(s) with left ventricular noncompaction (PMID: 36292635, 37937776). ClinVar contains an entry for this variant (Variation ID: 432302). Algorithms developed to predict the effect of sequence changes on RNA splicing suggest that this variant may disrupt the consensus splice site. In summary, the available evidence is currently insufficient to determine the role of this variant in disease. Therefore, it has been classified as a Variant of Uncertain Significance.

Ambry Genetics
Classification: Uncertain significance for Cardiovascular phenotype. Last evaluated: 2025-02-05. Review status: criteria provided, single submitter. Criteria: Ambry Variant Classification Scheme 2023. Collection method: clinical testing. Allele origin: germline.
Comment: The c.895+1G>A intronic variant results from a G to A substitution one nucleotide after coding exon 8 of the MYH7 gene. This variant was reported in individual(s) with features consistent with left ventricular noncompaction cardiomyopathy (Myasnikov RP et al. Genes (Basel), 2022 Sep;13). This nucleotide position is highly conserved in available vertebrate species. In silico splice site analysis predicts that this alteration will weaken the native splice donor site. Alterations that disrupt the canonical splice site are expected to cause aberrant splicing, resulting in an abnormal protein or a transcript that is subject to nonsense-mediated mRNA decay. However, loss of function of MYH7 has not been established as a mechanism of disease. Based on the available evidence, the clinical significance of this alteration remains unclear.

Molecular Diagnostic Laboratory for Inherited Cardiovascular Disease, Montreal Heart Institute
Classification: Likely pathogenic for Cardiovascular phenotype. Last evaluated: 2023-06-22. Review status: criteria provided, single submitter. Criteria: ACMG Guidelines, 2015. Collection method: clinical testing. Allele origin: germline. Affected: yes.

PreventionGenetics, part of Exact Sciences
Classification: Uncertain significance for MYH7-related condition. Last evaluated: 2023-03-24. Review status: criteria provided, single submitter. Criteria: ACMG Guidelines, 2015. Collection method: clinical testing. Allele origin: germline.
Comment: The MYH7 c.895+1G>A variant is predicted to disrupt the GT donor site and interfere with normal splicing. To our knowledge, this variant has not been reported in the literature or in a large population database, indicating this variant is rare. At this time, the clinical significance of this variant is uncertain due to the absence of conclusive functional and genetic evidence.

Literature cited by the submitters: PubMed 16199547 (cited by Labcorp Genetics (formerly Invitae), Labcorp); PubMed 36292635 (cited by Labcorp Genetics (formerly Invitae), Labcorp and Ambry Genetics); PubMed 37937776 (cited by Labcorp Genetics (formerly Invitae), Labcorp).